The following is an entry in ClinVar:

ClinVar aggregate classification (germline): Uncertain significance (1 of 4 stars; one submission).

Submission:

Labcorp Genetics (formerly Invitae), Labcorp
Classification: Uncertain significance. Last evaluated: 2021-11-29. Review status: criteria provided, single submitter. Criteria: Invitae Variant Classification Sherloc (09022015). Collection method: clinical testing. Allele origin: germline.
Comment: In summary, the available evidence is currently insufficient to determine the role of this variant in disease. Therefore, it has been classified as a Variant of Uncertain Significance. Experimental studies and prediction algorithms are not available or were not evaluated, and the functional significance of this variant is currently unknown. This variant has not been reported in the literature in individuals affected with NEK2-related conditions. This variant is not present in population databases (gnomAD no frequency). This sequence change creates a premature translational stop signal (p.Ala426Serfs*7) in the NEK2 gene. While this is not anticipated to result in nonsense mediated decay, it is expected to disrupt the last 20 amino acid(s) of the NEK2 protein.

NM_002497.4(NEK2):c.1272_1275dup (p.Ala426fs)

Gene: NEK2 (NIMA related kinase 2; minus strand). Cytogenetic location: 1q32.3.
Variant type: Duplication.
Coding change: c.1272_1275dup on transcript NM_002497.4 (MANE Select); coding-DNA positions 1272 to 1275, 4 bases duplicated (TCAA; older notation c.1272_1275dupTCAA).
Protein change: p.Ala426fs; shifts the reading frame from alanine 426.
Molecular consequence: frameshift variant. On other transcripts: intron variant (1).
Genome position (GRCh38, 1-based): chr1:211,663,489-211,663,492, TTGA duplicated on the plus strand (TCAA on the coding strand, the reverse complement: NEK2 is on the minus strand). VCF-style (leftmost placement, unchanged base first): chr1-211663488-C-CTTGA. GRCh37 (hg19) VCF-style: chr1-211836830-C-CTTGA.
Other names: c.1111+3614_1111+3617dup (NM_001204182.2); short protein forms A426fs.
Identifiers: ClinVar variation 1517094 (VCV001517094.6), dbSNP rs2102438570, ClinGen allele CA2573131647.